The following is an entry in ClinVar:

NM_033159.4(HYAL1):c.4del (p.Ala2fs)

Gene: HYAL1 (hyaluronidase 1; minus strand). Cytogenetic location: 3p21.31.
Variant type: Deletion.
Coding change: c.4del on transcript NM_033159.4 (MANE Select); coding-DNA position 4, one base deleted (G; older notation c.4delG).
Protein change: p.Ala2fs; shifts the reading frame from alanine 2.
Molecular consequence: frameshift variant, initiator codon variant. On other transcripts: non-coding transcript variant (1), intron variant (2).
Genome position (GRCh38, 1-based): chr3:50,302,953, C deleted on the plus strand (G on the coding strand, the reverse complement: HYAL1 is on the minus strand); the first of 2 consecutive C bases (chr3:50,302,953-50,302,954); deleting either gives the same sequence. VCF-style (leftmost placement, unchanged base first): chr3-50302952-GC-G. GRCh37 (hg19) VCF-style: chr3-50340383-GC-G.
Other names: c.3delG, p.Ala2Glnfs (NM_007312.3); c.4del, p.Ala2fs (NM_153281.2, NM_153282.3); c.-27+513del (NM_153285.3); c.-213-330del (NM_153283.3); short protein forms A2fs.
Identifiers: ClinVar variation 2052431 (VCV002052431.5), dbSNP rs2470853311, ClinGen allele CA2580070344.

ClinVar aggregate classification (germline): Pathogenic (1 of 4 stars; one submission).

Conditions:
Deficiency of hyaluronoglucosaminidase (MPS9). Also called: MPS IX; Mucopolysaccharidosis type 9; HYALURONIDASE DEFICIENCY. Identifiers: Orphanet 67041, MedGen C1291490, MONDO:0011093, OMIM 601492.

Submission:

Labcorp Genetics (formerly Invitae), Labcorp
Classification: Pathogenic for Deficiency of hyaluronoglucosaminidase. Last evaluated: 2021-12-22. Review status: criteria provided, single submitter. Criteria: Invitae Variant Classification Sherloc (09022015). Collection method: clinical testing. Allele origin: germline.
Comment: For these reasons, this variant has been classified as Pathogenic. This sequence change creates a premature translational stop signal (p.Ala2Glnfs*12) in the HYAL1 gene. It is expected to result in an absent or disrupted protein product. Loss-of-function variants in HYAL1 are known to be pathogenic (PMID: 10339581, 21559944). This variant is not present in population databases (gnomAD no frequency). This variant has not been reported in the literature in individuals affected with HYAL1-related conditions.

Literature cited by the submitters: PubMed 10339581; PubMed 21559944.